The following is an entry in ClinVar:

ClinVar aggregate classification (germline): Pathogenic (1 of 4 stars; one submission).

Submission:

Labcorp Genetics (formerly Invitae), Labcorp
Classification: Pathogenic. Last evaluated: 2023-09-04. Review status: criteria provided, single submitter. Criteria: Invitae Variant Classification Sherloc (09022015). Collection method: clinical testing. Allele origin: germline.
Comment: This sequence change replaces histidine, which is basic and polar, with tyrosine, which is neutral and polar, at codon 275 of the DEAF1 protein (p.His275Tyr). This variant is not present in population databases (gnomAD no frequency). This missense change has been observed in individual(s) with clinical features of autosomal dominant DEAF1-related conditions (Invitae). In at least one individual the variant was observed to be de novo. ClinVar contains an entry for this variant (Variation ID: 1451880). Advanced modeling of protein sequence and biophysical properties (such as structural, functional, and spatial information, amino acid conservation, physicochemical variation, residue mobility, and thermodynamic stability) performed at Invitae indicates that this missense variant is expected to disrupt DEAF1 protein function. For these reasons, this variant has been classified as Pathogenic.

NM_021008.4(DEAF1):c.823C>T (p.His275Tyr)

Gene: DEAF1 (DEAF1 transcription factor; minus strand). Cytogenetic location: 11p15.5.
Variant type: single nucleotide variant.
Coding change: c.823C>T on transcript NM_021008.4 (MANE Select); coding-DNA position 823, C replaced by T.
Protein change: p.His275Tyr; replaces histidine 275 with tyrosine.
Molecular consequence: missense variant.
Genome position (GRCh38, 1-based): chr11:684,945, G>A on the plus strand (C>T on the coding strand, the complement: DEAF1 is on the minus strand). VCF-style: chr11-684945-G-A. GRCh37 (hg19) VCF-style: chr11-684945-G-A.
Other names: c.683C>T, p.Ser228Leu (NM_001293634.2); c.97C>T, p.His33Tyr (NM_001367390.1); short protein forms H275Y, H33Y, S228L.
Identifiers: ClinVar variation 1451880 (VCV001451880.8), dbSNP rs2133395050, ClinGen allele CA378930206.